The following is an entry in ClinVar:

NM_014516.4(CNOT3):c.1705+2T>G

Gene: CNOT3 (CCR4-NOT transcription complex subunit 3; plus strand). Cytogenetic location: 19q13.42.
Variant type: single nucleotide variant.
Coding change: c.1705+2T>G on transcript NM_014516.4 (MANE Select); the canonical splice donor site of the intron after coding-DNA position 1705, T replaced by G.
Molecular consequence: splice donor variant.
Genome position (GRCh38, 1-based): chr19:54,152,327, T>G. VCF-style: chr19-54152327-T-G. GRCh37 (hg19) VCF-style: chr19-54656064-T-G.
Identifiers: ClinVar variation 3387811 (VCV003387811.1).

ClinVar aggregate classification (germline): Pathogenic (1 of 4 stars; one submission).

Conditions:
Intellectual developmental disorder with speech delay, autism, and dysmorphic facies. Identifiers: MedGen C5231456, MONDO:0032864, OMIM 618672.

Submission:

Cytogenetique et Genetique Moleculaire, CHU Besancon
Classification: Pathogenic for Intellectual developmental disorder with speech delay, autism, and dysmorphic facies. Last evaluated: 2023-08-13. Review status: criteria provided, single submitter. Criteria: ACMG Guidelines, 2015. Collection method: clinical testing. Allele origin: germline. Affected: yes.
Comment: The NM_014516.4:c.1705+2T>G is an intronic variant in CNOT3 which is predicted to result in a alteration of consensus splice site (Spip and Splice AI), and likely results in an absent or disrupted protein product (PVS1). This variant is not present in gnomAD (PM2; v4.1.0). In summary, this variant meets criteria to be classified as pathogenic for CNOT3-related neurodevelopmental disorders based on the ACMG/AMP criteria applied (PVS1 PM2 PM6).